The following is an entry in ClinVar:

ClinVar aggregate classification (germline): Uncertain significance (1 of 4 stars; one submission).

gnomAD v4.1: 1 of 1,211,866 alleles (0.000083%); highest among the groups gnomAD compares: South Asian, 0.0018%; no homozygotes.

Submission:

Women's Health and Genetics/Laboratory Corporation of America, LabCorp
Classification: Uncertain significance. Last evaluated: 2025-12-03. Review status: criteria provided, single submitter. Criteria: LabCorp Variant Classification Summary - May 2015. Collection method: clinical testing. Allele origin: germline.
Comment: Variant summary: F9 c.1208G>A (p.Gly403Asp) results in a non-conservative amino acid change in the encoded protein sequence. Algorithms developed to predict the effect of missense changes on protein structure and function all suggest that this variant is likely to be disruptive. The variant was absent in 183341 control chromosomes. c.1208G>A has been observed in an individual affected with Factor IX Deficiency (Hemophilia B) (Quadros_2009). These data do not allow any conclusion about variant significance. At least one publication reports experimental evidence evaluating an impact on protein function. The most pronounced variant effect results in 70% of F9 antigen level and 10%-<30% of normal activity (Quadros_2009). The following publication have been ascertained in the context of this evaluation (PMID: 19262239). No submitters have cited clinical-significance assessments for this variant to ClinVar. Based on the evidence outlined above, the variant was classified as VUS-possibly pathogenic.

Literature cited by the submitters: PubMed 19262239.

NM_000133.4(F9):c.1208G>A (p.Gly403Asp)

Gene: F9 (coagulation factor IX; plus strand). Cytogenetic location: Xq27.1.
Variant type: single nucleotide variant.
Coding change: c.1208G>A on transcript NM_000133.4 (MANE Select); coding-DNA position 1208, G replaced by A.
Protein change: p.Gly403Asp; replaces glycine 403 with aspartic acid.
Molecular consequence: missense variant.
Genome position (GRCh38, 1-based): chrX:139,561,893, G>A. VCF-style: chrX-139561893-G-A. GRCh37 (hg19) VCF-style: chrX-138644052-G-A.
Other names: c.1094G>A, p.Gly365Asp (NM_001313913.2); short protein forms G365D, G403D.
Identifiers: ClinVar variation 4688598 (VCV004688598.1).
Genomic context (GRCh38, chrX:139,561,893, plus strand): 5'-TTCGATCTACAAAGTTCACCATCTATAACAACATGTTCTGTGCTGGCTTCCATGAAGGAG[G>A]TAGAGATTCATGTCAAGGAGATAGTGGGGGACCCCATGTTACTGAAGTGGAAGGGACCAG-3'
Protein context (NP_000124.1, residues 393-413): NMFCAGFHEG[Gly403Asp]RDSCQGDSGG